The following is an entry in ClinVar:

NM_001164508.2(NEB):c.23539C>T (p.Gln7847Ter)

Genes: NEB (nebulin; minus strand), RIF1 (replication timing regulatory factor 1; plus strand). Cytogenetic location: 2q23.3.
Variant type: single nucleotide variant.
Coding change: c.23539C>T on transcript NM_001164508.2 (MANE Select); coding-DNA position 23539, C replaced by T.
Protein change: p.Gln7847Ter; replaces glutamine 7847 with a stop codon.
Molecular consequence: nonsense.
Genome position (GRCh38, 1-based): chr2:151,506,926, G>A on the plus strand (C>T on the coding strand, the complement: NEB is on the minus strand). VCF-style: chr2-151506926-G-A. GRCh37 (hg19) VCF-style: chr2-152363440-G-A.
Other names: NM_001164508.2(NEB):c.23539C>T; p.Gln7847Ter; c.23539C>T, p.Gln7847Ter (NM_001164507.2); c.23644C>T, p.Gln7882Ter (NM_001271208.2); c.18436C>T, p.Gln6146Ter (NM_004543.5); short protein forms Q7847*, Q7882*, Q6146*.
Identifiers: ClinVar variation 2026444 (VCV002026444.5), dbSNP rs2069534941, ClinGen allele CA348784469.

ClinVar aggregate classification (germline): Pathogenic/Likely pathogenic. Review status: criteria provided, multiple submitters, no conflicts (2 of 4 stars). 2 submissions from 2 submitters: Pathogenic (1); Likely pathogenic (1). Last evaluated 2025-02-28.

Conditions:
Nemaline myopathy. Also called: Myopathies, Nemaline. Identifiers: Orphanet 607, MedGen C0206157, MONDO:0018958.
Nemaline myopathy 2 (NEM2). Also called: Nemaline myopathy 2, autosomal recessive. Identifiers: MedGen C1850569, MONDO:0009725, OMIM 256030.

Allele frequency attached by ClinVar (database versions not stated): gnomAD exomes below 0.00001; TOPMed below 0.00001.
gnomAD v4.1: 2 of 1,605,700 alleles (0.00012%); highest among the groups gnomAD compares: Non-Finnish European, 0.00017%; no homozygotes.

Submissions (2):

Broad Center for Mendelian Genomics, Broad Institute of MIT and Harvard
Classification: Likely pathogenic for Nemaline myopathy. Last evaluated: 2025-02-28. Review status: criteria provided, single submitter. Criteria: ACMG Guidelines, 2015. Collection method: curation. Allele origin: germline. Inheritance: Autosomal recessive inheritance.
Comment: The p.Gln7847Ter variant in NEB has not been previously reported in the literature in individuals with nemaline myopathy, but has been identified in 0.0002% (2/1173768) of European (non-Finnish) chromosomes by the Genome Aggregation Database (gnomAD; dbSNP ID: rs2069534941). Although this variant has been seen in the general population in a heterozygous state, its frequency is low enough to be consistent with a recessive carrier frequency. This variant has also been reported in ClinVar (Variation ID: 2026444) and has been interpreted as likely pathogenic by Invitae. This nonsense variant leads to a premature termination codon at position 7847, which is predicted to lead to a truncated or absent protein. Loss of function of the NEB gene is an established disease mechanism in autosomal recessive nemaline myopathy. In summary, although additional studies are required to fully establish its clinical significance, this variant is likely pathogenic for autosomal recessive nemaline myopathy. ACMG/AMP Criteria applied: PVS1, PM2_supporting (Richards 2015).

Labcorp Genetics (formerly Invitae), Labcorp
Classification: Pathogenic for Nemaline myopathy 2. Last evaluated: 2022-08-23. Review status: criteria provided, single submitter. Criteria: Invitae Variant Classification Sherloc (09022015). Collection method: clinical testing. Allele origin: germline.
Comment: This variant has not been reported in the literature in individuals affected with NEB-related conditions. For these reasons, this variant has been classified as Pathogenic. This sequence change creates a premature translational stop signal (p.Gln7882*) in the NEB gene. It is expected to result in an absent or disrupted protein product. Loss-of-function variants in NEB are known to be pathogenic (PMID: 25205138). This variant is not present in population databases (gnomAD no frequency).

Literature cited by the submitters: PubMed 25205138 (cited by Labcorp Genetics (formerly Invitae), Labcorp).